The following is an entry in ClinVar:

NM_000038.6(APC):c.5139G>T (p.Leu1713Phe)

Gene: APC (APC regulator of Wnt signaling pathway; plus strand). Cytogenetic location: 5q22.2.
Variant type: single nucleotide variant.
Coding change: c.5139G>T on transcript NM_000038.6 (MANE Select); coding-DNA position 5139, G replaced by T.
Protein change: p.Leu1713Phe; replaces leucine 1713 with phenylalanine.
Molecular consequence: missense variant. On other transcripts: non-coding transcript variant (2).
Genome position (GRCh38, 1-based): chr5:112,840,733, G>T. VCF-style: chr5-112840733-G-T. GRCh37 (hg19) VCF-style: chr5-112176430-G-T.
Other names: c.5139G>T, p.Leu1713Phe (NM_001127510.3, NM_001407450.1, NM_001354895.2); c.5085G>T, p.Leu1695Phe (NM_001127511.3); c.4659G>T, p.Leu1553Phe (NM_001354905.2); c.4290G>T, p.Leu1430Phe (NM_001354906.2, NM_001407470.1); c.5223G>T, p.Leu1741Phe (NM_001407446.1); c.5193G>T, p.Leu1731Phe (NM_001407447.1, NM_001407448.1, NM_001407449.1 and 1 more transcripts); c.5118G>T, p.Leu1706Phe (NM_001407451.1); c.5109G>T, p.Leu1703Phe (NM_001407452.1); and 11 more; short protein forms L1587F, L1612F, L1630F, L1713F, L1430F, L1553F, L1622F, L1654F.
Identifiers: ClinVar variation 4838159 (VCV004838159.1).

ClinVar aggregate classification (germline): Uncertain significance (1 of 4 stars; one submission).

Conditions:
Hereditary cancer-predisposing syndrome. Also called: Neoplastic Syndromes, Hereditary; Tumor predisposition; Hereditary Cancer Syndrome; Hereditary neoplastic syndrome. Identifiers: Orphanet 140162, MedGen C0027672, MeSH D009386, MONDO:0015356.

Submission:

Ambry Genetics
Classification: Uncertain significance for Hereditary cancer-predisposing syndrome. Last evaluated: 2026-02-23. Review status: criteria provided, single submitter. Criteria: Ambry Variant Classification Scheme 2023. Collection method: clinical testing. Allele origin: germline.
Comment: The p.L1713F variant (also known as c.5139G>T), located in coding exon 15 of the APC gene, results from a G to T substitution at nucleotide position 5139. The leucine at codon 1713 is replaced by phenylalanine, an amino acid with highly similar properties. This amino acid position is conserved. In addition, in silico predictors for this gene do not accurately predict pathogenicity. Based on the available evidence, the clinical significance of this variant remains unclear.